The following is an entry in ClinVar:

ClinVar aggregate classification (germline): Uncertain significance (1 of 4 stars; one submission).

gnomAD v4.1: 3 of 1,395,036 alleles (0.00022%); highest among the groups gnomAD compares: South Asian, 0.0015%; no homozygotes.

Submission:

GeneDx
Classification: Uncertain significance. Last evaluated: 2026-02-17. Review status: criteria provided, single submitter. Criteria: GeneDx Variant Classification Process June 2021. Collection method: clinical testing. Allele origin: germline.
Comment: Not observed at significant frequency in large population cohorts (gnomAD); In silico analysis suggests that this missense variant does not alter protein structure/function; Has not been previously published as pathogenic or benign to our knowledge

NM_005585.5(SMAD6):c.580G>A (p.Ala194Thr)

Gene: SMAD6 (SMAD family member 6; plus strand). Cytogenetic location: 15q22.31.
Variant type: single nucleotide variant.
Coding change: c.580G>A on transcript NM_005585.5 (MANE Select); coding-DNA position 580, G replaced by A.
Protein change: p.Ala194Thr; replaces alanine 194 with threonine.
Molecular consequence: missense variant. On other transcripts: non-coding transcript variant (1).
Genome position (GRCh38, 1-based): chr15:66,703,838, G>A. VCF-style: chr15-66703838-G-A. GRCh37 (hg19) VCF-style: chr15-66996176-G-A.
Other names: short protein forms A194T.
Identifiers: ClinVar variation 5009661 (VCV005009661.1).